The following is an entry in ClinVar:

NM_001267550.2(TTN):c.2842-33C>T

Gene: TTN (titin; minus strand). Cytogenetic location: 2q31.2.
Variant type: single nucleotide variant.
Coding change: c.2842-33C>T on transcript NM_001267550.2 (MANE Select); 33 bases into the intron before coding-DNA position 2842, C replaced by T.
Molecular consequence: intron variant.
Genome position (GRCh38, 1-based): chr2:178,783,097, G>A on the plus strand (C>T on the coding strand, the complement: TTN is on the minus strand). VCF-style: chr2-178783097-G-A. GRCh37 (hg19) VCF-style: chr2-179647824-G-A.
Other names: c.2842-33C>T (NM_001256850.1, NM_133378.4, NM_133379.5); c.2704-33C>T (NM_003319.4, NM_133437.4, NM_133432.3).
Identifiers: ClinVar variation 671510 (VCV000671510.2), dbSNP rs72647864, ClinGen allele CA2005703.

ClinVar aggregate classification (germline): Benign. Review status: criteria provided, multiple submitters, no conflicts (2 of 4 stars). 2 submissions from 2 submitters: Benign (2). Last evaluated 2018-06-19.

Allele frequency attached by ClinVar (database versions not stated): 1000 Genomes Project 0.01817; 1000 Genomes Project 30x 0.01889; gnomAD 0.02408; ESP Exome Variant Server 0.02677; TOPMed 0.02809.
gnomAD v4.1: 54,822 of 1,605,336 alleles (3.4%); highest among the groups gnomAD compares: Admixed American, 5.5%; 1,099 homozygotes.

Submissions (2):

GeneDx
Classification: Benign. Last evaluated: 2018-06-19. Review status: criteria provided, single submitter. Criteria: GeneDx Variant Classification (06012015). Collection method: clinical testing. Allele origin: germline. Affected: yes.
Comment: This variant is considered likely benign or benign based on one or more of the following criteria: it is a conservative change, it occurs at a poorly conserved position in the protein, it is predicted to be benign by multiple in silico algorithms, and/or has population frequency not consistent with disease.

Breakthrough Genomics
Classification: Benign. Review status: criteria provided, single submitter. Criteria: ACMG Guidelines, 2015. Collection method: not provided. Allele origin: germline. Inheritance: Autosomal recessive inheritance. Affected: yes.